The following is an entry in ClinVar:

ClinVar aggregate classification (germline): Conflicting classifications of pathogenicity. Review status: criteria provided, conflicting classifications (1 of 4 stars). 4 submissions from 4 submitters: Uncertain significance (2); Likely benign (2). Last evaluated 2025-05-09.

Conditions:
Autosomal recessive spastic paraplegia type 78. Identifiers: Orphanet 513436, MedGen C5567893, MONDO:0014975, OMIM 617225.
Kufor-Rakeb syndrome (KRS). Also called: PARKINSON DISEASE 9, AUTOSOMAL RECESSIVE, JUVENILE-ONSET. Identifiers: Orphanet 306674, Orphanet 314632, MedGen C1847640, MONDO:0011706, OMIM 606693.
Inborn genetic diseases. Identifiers: MedGen C0950123, MeSH D030342.

Allele frequency attached by ClinVar (database versions not stated): gnomAD 0.00002; ExAC 0.00003; gnomAD exomes 0.00004 and 0.00005; TOPMed 0.00004.
gnomAD v4.1: 81 of 1,613,908 alleles (0.005%); highest among the groups gnomAD compares: Non-Finnish European, 0.0042%; no homozygotes.

Submissions (4):

Labcorp Genetics (formerly Invitae), Labcorp
Classification: Likely benign for Kufor-Rakeb syndrome; Autosomal recessive spastic paraplegia type 78. Last evaluated: 2025-05-09. Review status: criteria provided, single submitter. Criteria: Invitae Variant Classification Sherloc (09022015). Collection method: clinical testing. Allele origin: germline.

Ambry Genetics
Classification: Likely benign for Inborn genetic diseases. Last evaluated: 2022-12-16. Review status: criteria provided, single submitter. Criteria: Ambry Variant Classification Scheme 2023. Collection method: clinical testing. Allele origin: germline.

GeneDx
Classification: Uncertain significance. Last evaluated: 2022-03-24. Review status: criteria provided, single submitter. Criteria: GeneDx Variant Classification Process June 2021. Collection method: clinical testing. Allele origin: germline. Affected: yes.
Comment: In silico analysis supports that this missense variant has a deleterious effect on protein structure/function; Has not been previously published as pathogenic or benign to our knowledge

Illumina Laboratory Services, Illumina
Classification: Uncertain significance for Kufor-Rakeb syndrome. Last evaluated: 2018-01-12. Review status: criteria provided, single submitter. Criteria: ICSL Variant Classification Criteria 13 December 2019. Collection method: clinical testing. Allele origin: germline.

NM_022089.4(ATP13A2):c.2285G>A (p.Arg762Gln)

Gene: ATP13A2 (ATPase cation transporting 13A2; minus strand). Cytogenetic location: 1p36.13.
Variant type: single nucleotide variant.
Coding change: c.2285G>A on transcript NM_022089.4 (MANE Select); coding-DNA position 2285, G replaced by A.
Protein change: p.Arg762Gln; replaces arginine 762 with glutamine.
Molecular consequence: missense variant.
Genome position (GRCh38, 1-based): chr1:16,990,254, C>T on the plus strand (G>A on the coding strand, the complement: ATP13A2 is on the minus strand). VCF-style: chr1-16990254-C-T. GRCh37 (hg19) VCF-style: chr1-17316749-C-T.
Other names: c.2270G>A, p.Arg757Gln (NM_001141973.3, NM_001141974.3); short protein forms R762Q, R757Q.
Identifiers: ClinVar variation 293783 (VCV000293783.14), dbSNP rs766899425, ClinGen allele CA636888.